The following is an entry in ClinVar:

ClinVar aggregate classification (germline): Uncertain significance (1 of 4 stars; one submission).

Conditions:
Neurofibromatosis, type 1 (NF1). Also called: Peripheral type neurofibromatosis; Neurofibromatosis, type I; VON RECKLINGHAUSEN DISEASE; NEUROFIBROMATOSIS, TYPE I, SOMATIC. Identifiers: Orphanet 636, MedGen C0027831, MONDO:0018975, OMIM 162200. Disease mechanism: loss of function.

Submission:

Labcorp Genetics (formerly Invitae), Labcorp
Classification: Uncertain significance for Neurofibromatosis, type 1. Last evaluated: 2020-07-15. Review status: criteria provided, single submitter. Criteria: Invitae Variant Classification Sherloc (09022015). Collection method: clinical testing. Allele origin: germline.
Comment: This sequence change replaces glutamine with proline at codon 2676 of the NF1 protein (p.Gln2676Pro). The glutamine residue is moderately conserved and there is a moderate physicochemical difference between glutamine and proline. This variant is not present in population databases (ExAC no frequency). This variant has not been reported in the literature in individuals with NF1-related conditions. Algorithms developed to predict the effect of missense changes on protein structure and function are either unavailable or do not agree on the potential impact of this missense change (SIFT: "Deleterious"; PolyPhen-2: "Probably Damaging"; Align-GVGD: "Class C0"). In summary, the available evidence is currently insufficient to determine the role of this variant in disease. Therefore, it has been classified as a Variant of Uncertain Significance.

NM_001042492.3(NF1):c.8090A>C (p.Gln2697Pro)

Gene: NF1 (neurofibromin 1; plus strand). Cytogenetic location: 17q11.2.
Variant type: single nucleotide variant.
Coding change: c.8090A>C on transcript NM_001042492.3 (MANE Select); coding-DNA position 8090, A replaced by C.
Protein change: p.Gln2697Pro; replaces glutamine 2697 with proline.
Molecular consequence: missense variant.
Genome position (GRCh38, 1-based): chr17:31,358,599, A>C. VCF-style: chr17-31358599-A-C. GRCh37 (hg19) VCF-style: chr17-29685617-A-C.
Other names: c.8027A>C, p.Gln2676Pro (NM_000267.4); short protein forms Q2676P, Q2697P.
Identifiers: ClinVar variation 1053216 (VCV001053216.5), dbSNP rs2151585121, ClinGen allele CA399203934.